The following is an entry in ClinVar:

ClinVar aggregate classification (germline): Uncertain significance (1 of 4 stars; one submission).

Conditions:
Gorlin syndrome. Also called: Basal cell nevus syndrome; Nevoid Basal Cell Carcinoma Syndrome. Identifiers: Orphanet 377, MedGen C0004779, MONDO:0007187.

Allele frequency attached by ClinVar (database versions not stated): gnomAD exomes below 0.00001; gnomAD 0.00001.
gnomAD v4.1: 11 of 1,613,958 alleles (0.00068%); highest among the groups gnomAD compares: African/African-American, 0.0013%; no homozygotes.

Submission:

Labcorp Genetics (formerly Invitae), Labcorp
Classification: Uncertain significance for Gorlin syndrome. Last evaluated: 2020-01-23. Review status: criteria provided, single submitter. Criteria: Invitae Variant Classification Sherloc (09022015). Collection method: clinical testing. Allele origin: germline.
Comment: In summary, the available evidence is currently insufficient to determine the role of this variant in disease. Therefore, it has been classified as a Variant of Uncertain Significance. The current clinical and genetic evidence is not sufficient to establish whether loss-of-function variants in PTCH2 cause disease. Algorithms developed to predict the effect of sequence changes on RNA splicing suggest that this variant may disrupt the consensus splice site, but this prediction has not been confirmed by published transcriptional studies. This variant has not been reported in the literature in individuals with PTCH2-related conditions. This variant is not present in population databases (ExAC no frequency). This sequence change affects a donor splice site in intron 16 of the PTCH2 gene. It is expected to disrupt RNA splicing and likely results in an absent or disrupted protein product.

NM_003738.5(PTCH2):c.2514+1G>T

Gene: PTCH2 (patched 2; minus strand). Cytogenetic location: 1p34.1.
Variant type: single nucleotide variant.
Coding change: c.2514+1G>T on transcript NM_003738.5 (MANE Select); the canonical splice donor site of the intron after coding-DNA position 2514, G replaced by T.
Molecular consequence: splice donor variant.
Genome position (GRCh38, 1-based): chr1:44,827,166, C>A on the plus strand (G>T on the coding strand, the complement: PTCH2 is on the minus strand). VCF-style: chr1-44827166-C-A. GRCh37 (hg19) VCF-style: chr1-45292838-C-A.
Other names: c.2514+1G>T (NM_001166292.2).
Identifiers: ClinVar variation 1062352 (VCV001062352.7), dbSNP rs1270521718, ClinGen allele CA340094898.